The following is an entry in ClinVar:

NM_001148.6(ANK2):c.9146G>A (p.Arg3049Gln)

Gene: ANK2 (ankyrin 2; plus strand). Cytogenetic location: 4q26.
Variant type: single nucleotide variant.
Coding change: c.9146G>A on transcript NM_001148.6 (MANE Select); coding-DNA position 9146, G replaced by A.
Protein change: p.Arg3049Gln; replaces arginine 3049 with glutamine.
Molecular consequence: missense variant. On other transcripts: intron variant (68).
Genome position (GRCh38, 1-based): chr4:113,357,764, G>A. VCF-style: chr4-113357764-G-A. GRCh37 (hg19) VCF-style: chr4-114278920-G-A.
Other names: c.8912G>A, p.Arg2971Gln (NM_001386142.1); c.5546G>A, p.Arg1849Gln (NM_001386166.1); c.9287G>A, p.Arg3096Gln (NM_001386174.1); c.9263G>A, p.Arg3088Gln (NM_001386175.1); c.4412-3059G>A (NM_001386186.2, NM_001386148.2); c.4214-3059G>A (NM_001354269.3); c.4292-3059G>A (NM_001386187.2); c.4253-3059G>A (NM_001386147.1); and 35 more; short protein forms R1849Q, R2971Q, R3049Q, R3088Q, R3096Q.
Identifiers: ClinVar variation 1003661 (VCV001003661.7), dbSNP rs1717042447, ClinGen allele CA357936695.

ClinVar aggregate classification (germline): Uncertain significance. Review status: criteria provided, multiple submitters, no conflicts (2 of 4 stars). 2 submissions from 2 submitters: Uncertain significance (2). Last evaluated 2022-11-25.

Conditions:
Long QT syndrome (LQTS). Identifiers: MedGen C0023976, MeSH D008133, MONDO:0002442. Disease mechanism: loss of function. Inheritance: Various modes of inheritance.
Cardiovascular phenotype. Identifiers: MedGen CN230736.

gnomAD v4.1: 11 of 1,614,008 alleles (0.00068%); highest among the groups gnomAD compares: South Asian, 0.0022%; no homozygotes.

Submissions (2):

Labcorp Genetics (formerly Invitae), Labcorp
Classification: Uncertain significance for Long QT syndrome. Last evaluated: 2022-11-25. Review status: criteria provided, single submitter. Criteria: Invitae Variant Classification Sherloc (09022015). Collection method: clinical testing. Allele origin: germline.
Comment: In summary, the available evidence is currently insufficient to determine the role of this variant in disease. Therefore, it has been classified as a Variant of Uncertain Significance. Algorithms developed to predict the effect of missense changes on protein structure and function are either unavailable or do not agree on the potential impact of this missense change (SIFT: "Tolerated"; PolyPhen-2: "Probably Damaging"; Align-GVGD: "Class C0"). This sequence change replaces arginine, which is basic and polar, with glutamine, which is neutral and polar, at codon 3049 of the ANK2 protein (p.Arg3049Gln). This variant is not present in population databases (gnomAD no frequency). This variant has not been reported in the literature in individuals affected with ANK2-related conditions. ClinVar contains an entry for this variant (Variation ID: 1003661).

Ambry Genetics
Classification: Uncertain significance for Cardiovascular phenotype. Last evaluated: 2019-09-29. Review status: criteria provided, single submitter. Criteria: Ambry Variant Classification Scheme 2023. Collection method: clinical testing. Allele origin: germline.
Comment: The p.R3049Q variant (also known as c.9146G>A), located in coding exon 38 of the ANK2 gene, results from a G to A substitution at nucleotide position 9146. This exon is expressed solely in brain (Mohler PJ et al. Circulation. 2007;115(4):432-41). The arginine at codon 3049 is replaced by glutamine, an amino acid with highly similar properties. An alternate amino acid substitution at this position, p.R3049W (c.9145C>T) was reported in a left ventricular non-compaction (LVNC) cohort; however, clinical details were limited (Richard P et al. Clin. Genet., 2019 Mar;95:356-367). This amino acid position is well conserved in available vertebrate species. In addition, this alteration is predicted to be deleterious by in silico analysis. Since supporting evidence is limited at this time, the clinical significance of this alteration remains unclear.

Literature cited by the submitters: PubMed 30471092 (cited by Ambry Genetics).